The following is an entry in ClinVar:

ClinVar aggregate classification (germline): Uncertain significance (1 of 4 stars; one submission).

Allele frequency attached by ClinVar (database versions not stated): ExAC 0.00002; TOPMed 0.00006.
gnomAD v4.1: 50 of 1,614,018 alleles (0.0031%); highest among the groups gnomAD compares: Admixed American, 0.038%; no homozygotes.

Submission:

Labcorp Genetics (formerly Invitae), Labcorp
Classification: Uncertain significance. Last evaluated: 2022-12-06. Review status: criteria provided, single submitter. Criteria: Invitae Variant Classification Sherloc (09022015). Collection method: clinical testing. Allele origin: germline.
Comment: In summary, the available evidence is currently insufficient to determine the role of this variant in disease. Therefore, it has been classified as a Variant of Uncertain Significance. Experimental studies have shown that this missense change affects PRKN function (PMID: 29180628, 32929329). Advanced modeling of protein sequence and biophysical properties (such as structural, functional, and spatial information, amino acid conservation, physicochemical variation, residue mobility, and thermodynamic stability) has been performed at Invitae for this missense variant, however the output from this modeling did not meet the statistical confidence thresholds required to predict the impact of this variant on PRKN protein function. ClinVar contains an entry for this variant (Variation ID: 659916). This variant has not been reported in the literature in individuals affected with PRKN-related conditions. This variant is present in population databases (rs749094429, gnomAD 0.02%). This sequence change replaces threonine, which is neutral and polar, with alanine, which is neutral and non-polar, at codon 173 of the PRKN protein (p.Thr173Ala).

Literature cited by the submitters: PubMed 29180628; PubMed 32929329.

NM_004562.3(PRKN):c.517A>G (p.Thr173Ala)

Genes: PRKN (parkin RBR E3 ubiquitin protein ligase; minus strand), LOC126859871 (MED14-independent group 3 enhancer GRCh37_chr6:162621359-162622558; plus strand). Cytogenetic location: 6q26.
Variant type: single nucleotide variant.
Coding change: c.517A>G on transcript NM_004562.3 (MANE Select); coding-DNA position 517, A replaced by G.
Protein change: p.Thr173Ala; replaces threonine 173 with alanine.
Molecular consequence: missense variant. On other transcripts: intron variant (1).
Genome position (GRCh38, 1-based): chr6:162,201,148, T>C on the plus strand (A>G on the coding strand, the complement: PRKN is on the minus strand). VCF-style: chr6-162201148-T-C. GRCh37 (hg19) VCF-style: chr6-162622180-T-C.
Other names: c.517A>G, p.Thr173Ala (NM_013987.3); c.172-227731A>G (NM_013988.3); short protein forms T173A.
Identifiers: ClinVar variation 659916 (VCV000659916.7), dbSNP rs749094429, ClinGen allele CA4090345.